The following is an entry in ClinVar:

ClinVar aggregate classification (germline): Pathogenic. Review status: criteria provided, multiple submitters, no conflicts (2 of 4 stars). 11 submissions from 11 submitters: Pathogenic (10). 1 of the submissions does not count toward it. Last evaluated 2026-05-05.

Conditions:
Hereditary cancer-predisposing syndrome. Also called: Hereditary Cancer Syndrome; Tumor predisposition; Neoplastic Syndromes, Hereditary; Hereditary neoplastic syndrome. Identifiers: Orphanet 140162, MedGen C0027672, MeSH D009386, MONDO:0015356.
Tuberous sclerosis syndrome (TSC). Also called: Tuberous sclerosis; Tuberous Sclerosis Complex. Identifiers: Orphanet 805, MedGen C0041341, MONDO:0001734.
Tuberous sclerosis 1 (TSC1). Identifiers: Orphanet 805, MedGen C1854465, MONDO:0008612, OMIM 191100.
Cortical dysplasia. Identifiers: Orphanet 268950, MedGen C0431380, MONDO:0017094, HP:0002539.
Renal cortical cysts. Identifiers: MedGen C1969144, HP:0000803.
Renal insufficiency. Also called: renal impairment; Renal failure. Identifiers: MedGen C1565489, HP:0000083.

Submissions (11):

Victorian Clinical Genetics Services, Murdoch Childrens Research Institute
Classification: Pathogenic for Tuberous sclerosis 1. Last evaluated: 2026-05-05. Review status: criteria provided, single submitter. Criteria: ACMG Guidelines, 2015. Collection method: clinical testing. Allele origin: germline. Affected: yes.
Comment: This variant is classified as Pathogenic. Evidence in support of pathogenic classification: Variant is predicted to cause nonsense-mediated decay (NMD) and loss of protein (premature termination codon is located at least 54 nucleotides upstream of the final exon-exon junction); Variant is absent from gnomAD (v2, v3 and v4); This variant has strong previous evidence of pathogenicity in unrelated individuals. It has been classified as pathogenic by multiple clinical laboratories in ClinVar; Other NMD-predicted variant(s) comparable to the one identified in this case have very strong previous evidence for pathogenicity (DECIPHER). Additional information: This gene is associated with autosomal dominant disease; Loss of function is a known mechanism of disease in this gene and is associated with tuberous sclerosis-1 (MIM#191100); Variants in this gene are known to have variable expressivity (OMIM).

Labcorp Genetics (formerly Invitae), Labcorp
Classification: Pathogenic for Tuberous sclerosis 1. Last evaluated: 2025-10-02. Review status: criteria provided, single submitter. Criteria: Invitae Variant Classification Sherloc (09022015). Collection method: clinical testing. Allele origin: germline.
Comment: This sequence change creates a premature translational stop signal (p.Ser331Glufs*10) in the TSC1 gene. It is expected to result in an absent or disrupted protein product. Loss-of-function variants in TSC1 are known to be pathogenic (PMID: 10227394, 17304050). This variant is not present in population databases (gnomAD no frequency). This premature translational stop signal has been observed in individual(s) with tuberous sclerosis complex (PMID: 10227394, 10570911, 23341583, 28968464). Invitae Evidence Modeling of clinical and family history, age, sex, and reported ancestry of multiple individuals with this TSC1 variant has been performed. This variant is expected to be pathogenic with a positive predictive value of at least 99%. This is a validated machine learning model that incorporates the clinical features of 1,224,362 individuals referred to our laboratory for TSC1 testing. This variant is also known as c.990insT and c.1210insT. ClinVar contains an entry for this variant (Variation ID: 49135). For these reasons, this variant has been classified as Pathogenic.

Ambry Genetics
Classification: Pathogenic for Hereditary cancer-predisposing syndrome. Last evaluated: 2025-06-02. Review status: criteria provided, single submitter. Criteria: Ambry Variant Classification Scheme 2023. Collection method: clinical testing. Allele origin: germline.
Comment: The c.989dupT pathogenic mutation, located in coding exon 8 of the TSC1 gene, results from a duplication of T at nucleotide position 989, causing a translational frameshift with a predicted alternate stop codon. This variant was reported in individual(s) with features consistent with tuberous sclerosis complex (TSC); this alteration is also referred to as 1210insT, 989insT, and c.990insT in the literature (van Slegtenhorst M et al. J Med Genet. 1999; 36(4):285-9; Zhang H et al. J Hum Genet. 1999; 44(6):391-6; Dunet V et al. BMJ Case Rep. 2013; 2013; Rosset C et al. PLoS ONE. 2017 Oct;12:e0185713). This variant is considered to be rare based on population cohorts in the Genome Aggregation Database (gnomAD). In addition to the clinical data presented in the literature, this alteration is expected to result in loss of function by premature protein truncation or nonsense-mediated mRNA decay. As such, this alteration is interpreted as a disease-causing mutation.

Myriad Genetics, Inc.
Classification: Pathogenic for Tuberous sclerosis 1. Last evaluated: 2022-12-29. Review status: criteria provided, single submitter. Criteria: Myriad Autosomal Dominant, Autosomal Recessive and X-Linked Classification Criteria (2023). Collection method: clinical testing. Allele origin: unknown.
Comment: This variant is considered pathogenic. This variant creates a frameshift predicted to result in premature protein truncation.

GeneDx
Classification: Pathogenic. Last evaluated: 2022-08-22. Review status: criteria provided, single submitter. Criteria: GeneDx Variant Classification Process June 2021. Collection method: clinical testing. Allele origin: germline. Affected: yes.
Comment: Reported previously multiple times (sometimes using alternative nomenclature 1210insT) in association with TSC (van Slegtenhorst et al., 1999; Zhang et al., 1999; TSC1 LOVD).; Frameshift variant predicted to result in protein truncation or nonsense mediated decay in a gene for which loss of function is a known mechanism of disease; Not observed in large population cohorts (gnomAD); This variant is associated with the following publications: (PMID: 15798777, 31855466, 29655203, 25782670, 10570911, 23341583, 28968464, 10227394)

Genome-Nilou Lab
Classification: Pathogenic for Tuberous sclerosis 1. Last evaluated: 2021-11-07. Review status: criteria provided, single submitter. Criteria: ACMG Guidelines, 2015. Collection method: clinical testing. Allele origin: germline. Affected: no.

Mayo Clinic Laboratories, Mayo Clinic
Classification: Pathogenic. Last evaluated: 2019-04-15. Review status: criteria provided, single submitter. Criteria: ACMG Guidelines, 2015. Collection method: clinical testing. Allele origin: germline. Observed: 1 variant allele.
Comment: PVS1, PS4_moderate, PM2, PP4

Center for Human Genetics, Inc
Classification: Pathogenic for Tuberous sclerosis 1. Last evaluated: 2016-11-01. Review status: criteria provided, single submitter. Criteria: ACMG Guidelines, 2015. Collection method: clinical testing. Allele origin: germline. Affected: yes.

Centre for Mendelian Genomics, University Medical Centre Ljubljana
Classification: Pathogenic for Cortical dysplasia; Renal cortical cysts; Renal insufficiency. Last evaluated: 2015-10-21. Review status: criteria provided, single submitter. Criteria: ACMG Guidelines, 2015. Collection method: clinical testing. Allele origin: unknown. Affected: yes.

Athena Diagnostics
Classification: Pathogenic for Tuberous sclerosis 1. Last evaluated: 2014-07-09. Review status: criteria provided, single submitter. Criteria: Athena Diagnostics Criteria. Collection method: clinical testing. Allele origin: germline. Inheritance: Autosomal dominant inheritance.

Tuberous sclerosis database (TSC1)
No classification provided. Condition: TSC. Review status: no classification provided. Criteria: Tuberous Sclerosis Database Assertion Criteria 2015. Collection method: curation. Allele origin: germline. Affected: yes. Not counted in ClinVar's aggregate classification.

Literature cited by the submitters: PubMed 10227394 (cited by 4 submitters); PubMed 17304050 (cited by Labcorp Genetics (formerly Invitae), Labcorp); PubMed 10570911 (cited by 3 submitters); PubMed 23341583 (cited by 3 submitters); PubMed 28968464 (cited by 3 submitters).

NM_000368.5(TSC1):c.989dup (p.Ser331fs)

Gene: TSC1 (TSC complex subunit 1; minus strand). Cytogenetic location: 9q34.13.
Variant type: Duplication.
Coding change: c.989dup on transcript NM_000368.5 (MANE Select); coding-DNA position 989, one base duplicated (T; older notation c.989dupT).
Protein change: p.Ser331fs; shifts the reading frame from serine 331.
Molecular consequence: frameshift variant.
Genome position (GRCh38, 1-based): chr9:132,911,493, A duplicated on the plus strand (T on the coding strand, the reverse complement: TSC1 is on the minus strand). VCF-style (leftmost placement, unchanged base first): chr9-132911492-C-CA. GRCh37 (hg19) VCF-style: chr9-135786879-C-CA.
Other names: c.989dupT (NM_000368.4); c.989dup, p.Ser331fs (NM_001162426.2); c.836dup, p.Ser280fs (NM_001162427.2); c.626dup, p.Ser210fs (NM_001362177.2); short protein forms S210fs, S331fs, S280fs.
Identifiers: ClinVar variation 49135 (VCV000049135.27), dbSNP rs118203478, ClinGen allele CA262437.
Genomic context (GRCh38, chr9:132,911,492, plus strand): 5'-GCACACTAGTTGACACCATACTTGTGGTGGTTCAGTTATCAGCCGTGTCGATGGGGAACT[C>CA]AGAGTCTGAGGTAGCTGCCCTGGCATATTTAACAACATCAGCCGAGACGTGGAGTAAGGG-3'